The following is an entry in ClinVar:

NM_002439.5(MSH3):c.2435+3G>C

Gene: MSH3 (mutS homolog 3; plus strand). Cytogenetic location: 5q14.1.
Variant type: single nucleotide variant.
Coding change: c.2435+3G>C on transcript NM_002439.5 (MANE Select); 3 bases into the intron after coding-DNA position 2435, G replaced by C.
Molecular consequence: intron variant.
Genome position (GRCh38, 1-based): chr5:80,778,839, G>C. VCF-style: chr5-80778839-G-C. GRCh37 (hg19) VCF-style: chr5-80074658-G-C.
Identifiers: ClinVar variation 1791209 (VCV001791209.2), dbSNP rs1744356599, ClinGen allele CA1558530855.

ClinVar aggregate classification (germline): Uncertain significance (1 of 4 stars; one submission).

Conditions:
Hereditary cancer-predisposing syndrome. Also called: Hereditary Cancer Syndrome; Hereditary neoplastic syndrome; Tumor predisposition; Neoplastic Syndromes, Hereditary. Identifiers: Orphanet 140162, MedGen C0027672, MeSH D009386, MONDO:0015356.

Allele frequency attached by ClinVar (database versions not stated): TOPMed below 0.00001.

Submission:

Ambry Genetics
Classification: Uncertain significance for Hereditary cancer-predisposing syndrome. Last evaluated: 2021-07-30. Review status: criteria provided, single submitter. Criteria: Ambry Variant Classification Scheme 2023. Collection method: clinical testing. Allele origin: germline.
Comment: The c.2435+3G>C intronic variant results from a G to C substitution 3 nucleotides after coding exon 17 in the MSH3 gene. This nucleotide position is well conserved in available vertebrate species. In silico splice site analysis predicts that this alteration will weaken the native splice donor site. Since supporting evidence is limited at this time, the clinical significance of this alteration remains unclear.